The following is an entry in ClinVar:

ClinVar aggregate classification (germline): Uncertain significance. Review status: criteria provided, multiple submitters, no conflicts (2 of 4 stars). 6 submissions from 6 submitters: Uncertain significance (4). 2 of the submissions do not count toward it. Last evaluated 2025-12-01.

Conditions:
Inborn genetic diseases. Identifiers: MedGen C0950123, MeSH D030342.
FANCA-related disorder. Also called: FANCA-related condition.
Fanconi anemia (FA). Also called: Fanconi's anemia. Identifiers: Orphanet 84, MedGen C0015625, MeSH D005199, MONDO:0019391.
Fanconi anemia complementation group A (FANCA). Also called: FANCA-Related Fanconi Anemia; Fanconi anemia, group A. Identifiers: Orphanet 84, MedGen C3469521, MONDO:0009215, OMIM 227650.

Allele frequency attached by ClinVar (database versions not stated): gnomAD 0.00002; gnomAD exomes 0.00002; TOPMed 0.00002.
gnomAD v4.1: 17 of 1,613,642 alleles (0.0011%); highest among the groups gnomAD compares: Non-Finnish European, 0.000085%; no homozygotes.

Submissions (6):

Labcorp Genetics (formerly Invitae), Labcorp
Classification: Uncertain significance for Fanconi anemia. Last evaluated: 2025-12-01. Review status: criteria provided, single submitter. Criteria: Invitae Variant Classification Sherloc (09022015). Collection method: clinical testing. Allele origin: germline.
Comment: This sequence change replaces aspartic acid, which is acidic and polar, with asparagine, which is neutral and polar, at codon 990 of the FANCA protein (p.Asp990Asn). This variant is present in population databases (no rsID available, gnomAD 0.03%). This variant has not been reported in the literature in individuals affected with FANCA-related conditions. ClinVar contains an entry for this variant (Variation ID: 408197). Invitae Evidence Modeling of protein sequence and biophysical properties (such as structural, functional, and spatial information, amino acid conservation, physicochemical variation, residue mobility, and thermodynamic stability) indicates that this missense variant is not expected to disrupt FANCA protein function with a negative predictive value of 95%. In summary, the available evidence is currently insufficient to determine the role of this variant in disease. Therefore, it has been classified as a Variant of Uncertain Significance.

Ambry Genetics
Classification: Uncertain significance for Inborn genetic diseases. Last evaluated: 2025-02-16. Review status: criteria provided, single submitter. Criteria: Ambry Variant Classification Scheme 2023. Collection method: clinical testing. Allele origin: germline.
Comment: The p.D990N variant (also known as c.2968G>A), located in coding exon 30 of the FANCA gene, results from a G to A substitution at nucleotide position 2968. The aspartic acid at codon 990 is replaced by asparagine, an amino acid with highly similar properties. This amino acid position is conserved. In addition, the in silico prediction for this alteration is inconclusive. Based on the available evidence, the clinical significance of this variant remains unclear.

Fulgent Genetics
Classification: Uncertain significance for Fanconi anemia complementation group A. Last evaluated: 2021-09-08. Review status: criteria provided, single submitter. Criteria: ACMG Guidelines, 2015. Collection method: clinical testing. Allele origin: unknown.

Genetic Services Laboratory, University of Chicago
Classification: Uncertain significance. Last evaluated: 2019-05-22. Review status: criteria provided, single submitter. Criteria: ACMG Guidelines, 2015. Collection method: clinical testing. Allele origin: germline. Affected: no.

PreventionGenetics, part of Exact Sciences
Classification: Uncertain significance for FANCA-related condition. Last evaluated: 2024-01-05. Review status: no assertion criteria provided. Collection method: clinical testing. Allele origin: germline. Not counted in ClinVar's aggregate classification.
Comment: The FANCA c.2968G>A variant is predicted to result in the amino acid substitution p.Asp990Asn. To our knowledge, this variant has not been reported in the literature. This variant is reported in 0.030% of alleles in individuals of Ashkenazi Jewish descent in gnomAD. At this time, the clinical significance of this variant is uncertain due to the absence of conclusive functional and genetic evidence.

Natera, Inc.
Classification: Uncertain significance for Fanconi anemia. Last evaluated: 2019-10-28. Review status: no assertion criteria provided. Collection method: clinical testing. Allele origin: germline. Not counted in ClinVar's aggregate classification.

NM_000135.4(FANCA):c.2968G>A (p.Asp990Asn)

Gene: FANCA (FA complementation group A; minus strand). Cytogenetic location: 16q24.3.
Variant type: single nucleotide variant.
Coding change: c.2968G>A on transcript NM_000135.4 (MANE Select); coding-DNA position 2968, G replaced by A.
Protein change: p.Asp990Asn; replaces aspartic acid 990 with asparagine.
Molecular consequence: missense variant.
Genome position (GRCh38, 1-based): chr16:89,758,590, C>T on the plus strand (G>A on the coding strand, the complement: FANCA is on the minus strand). VCF-style: chr16-89758590-C-T. GRCh37 (hg19) VCF-style: chr16-89824998-C-T.
Other names: c.2968G>A (LRG_495t1); c.2968G>A, p.Asp990Asn (NM_001286167.3); short protein forms D990N.
Identifiers: ClinVar variation 408197 (VCV000408197.15), dbSNP rs1060501883, ClinGen allele CA16615033.